The following is an entry in ClinVar:

ClinVar aggregate classification (germline): Conflicting classifications of pathogenicity. Review status: criteria provided, conflicting classifications (1 of 4 stars). 3 submissions from 3 submitters: Pathogenic (1); Uncertain significance (1). 1 of the submissions does not count toward it. Last evaluated 2025-10-06.

Conditions:
Galactosylceramide beta-galactosidase deficiency. Also called: Leukodystrophy, Globoid Cell; GALACTOCEREBROSIDASE DEFICIENCY; GALC DEFICIENCY; GLOBOID CELL LEUKOENCEPHALOPATHY; Krabbe Disease. Identifiers: Orphanet 487, MedGen C0023521, MONDO:0009499, OMIM 245200.

Submissions (3):

Myriad Genetics, Inc.
Classification: Uncertain significance for Galactosylceramide beta-galactosidase deficiency. Last evaluated: 2025-10-06. Review status: criteria provided, single submitter. Criteria: Myriad Autosomal Dominant, Autosomal Recessive and X-Linked Classification Criteria (2023). Collection method: clinical testing. Allele origin: unknown.
Comment: NM_000153.3(GALC):c.1394C>T(T465I) is a missense variant classified as a variant of uncertain significance in the context of Krabbe disease. T465I has been observed in cases with relevant disease (PMID: 30209698, 35286032). Relevant functional assessments of this variant are not available in the literature. T465I has not been observed in referenced population frequency databases. In summary, there is insufficient evidence to classify NM_000153.3(GALC):c.1394C>T(T465I) as pathogenic or benign. Please note: this variant was assessed in the context of healthy population screening.

Labcorp Genetics (formerly Invitae), Labcorp
Classification: Pathogenic for Galactosylceramide beta-galactosidase deficiency. Last evaluated: 2024-03-16. Review status: criteria provided, single submitter. Criteria: Invitae Variant Classification Sherloc (09022015). Collection method: clinical testing. Allele origin: germline.
Comment: This sequence change replaces threonine, which is neutral and polar, with isoleucine, which is neutral and non-polar, at codon 465 of the GALC protein (p.Thr465Ile). This variant is not present in population databases (gnomAD no frequency). This missense change has been observed in individual(s) with Krabbe disease (PMID: 30209698). ClinVar contains an entry for this variant (Variation ID: 545725). Advanced modeling of protein sequence and biophysical properties (such as structural, functional, and spatial information, amino acid conservation, physicochemical variation, residue mobility, and thermodynamic stability) performed at Invitae indicates that this missense variant is expected to disrupt GALC protein function with a positive predictive value of 95%. For these reasons, this variant has been classified as Pathogenic.

Aziz Sancar Institute of Experimental Medicine, Istanbul University
Classification: Likely pathogenic for Galactosylceramide beta-galactosidase deficiency. Last evaluated: 2017-05-15. Review status: no assertion criteria provided. Collection method: research. Allele origin: inherited. Inheritance: Autosomal recessive inheritance. Affected: yes. Observed: 1 variant allele, 1 homozygote. Not counted in ClinVar's aggregate classification.
Comment: This variant detected in a consanguineous family from Turkey was utilized to confirm clinical diagnosis as Krabbe Disease.

Literature cited by the submitters: PubMed 30209698 (cited by 3 submitters); PubMed 35286032 (cited by Myriad Genetics, Inc.).

NM_000153.4(GALC):c.1394C>T (p.Thr465Ile)

Gene: GALC (galactosylceramidase; minus strand). Cytogenetic location: 14q31.3.
Variant type: single nucleotide variant.
Coding change: c.1394C>T on transcript NM_000153.4 (MANE Select); coding-DNA position 1394, C replaced by T.
Protein change: p.Thr465Ile; replaces threonine 465 with isoleucine.
Molecular consequence: missense variant.
Genome position (GRCh38, 1-based): chr14:87,947,823, G>A on the plus strand (C>T on the coding strand, the complement: GALC is on the minus strand). VCF-style: chr14-87947823-G-A. GRCh37 (hg19) VCF-style: chr14-88414167-G-A.
Other names: c.1325C>T, p.Thr442Ile (NM_001201401.2); c.1316C>T, p.Thr439Ile (NM_001201402.2); short protein forms T465I, T442I, T439I.
Identifiers: ClinVar variation 545725 (VCV000545725.10), dbSNP rs1566974586, ClinGen allele CA390746560.
Genomic context (GRCh38, chr14:87,947,823, plus strand): 5'-GGCTGGGATTTTGGAGGAAGCGGGTAGCTGCCTTTGCGACCAGTGGTGAGAGTGGTGAGT[G>A]TGAACAGCTCATCTTCATGCAGGCTCAGTGTGAAACTGCCATCGCTGTCAAGGAGCTGAA-3'
Protein context (NP_000144.2, residues 455-475): TLSLHEDELF[Thr465Ile]LTTLTTGRKG